The following is an entry in ClinVar:

ClinVar aggregate classification (germline): Uncertain significance (1 of 4 stars; one submission).

Submission:

Labcorp Genetics (formerly Invitae), Labcorp
Classification: Uncertain significance. Last evaluated: 2026-01-14. Review status: criteria provided, single submitter. Criteria: Invitae Variant Classification Sherloc (09022015). Collection method: clinical testing. Allele origin: germline.
Comment: This sequence change replaces alanine, which is neutral and non-polar, with glycine, which is neutral and non-polar, at codon 176 of the SLC27A5 protein (p.Ala176Gly). This variant is not present in population databases (gnomAD no frequency). This variant has not been reported in the literature in individuals affected with SLC27A5-related conditions. An algorithm developed to predict the effect of missense changes on protein structure and function (PolyPhen-2) suggests that this variant is likely to be disruptive. In summary, the available evidence is currently insufficient to determine the role of this variant in disease. Therefore, it has been classified as a Variant of Uncertain Significance.

NM_012254.3(SLC27A5):c.527C>G (p.Ala176Gly)

Gene: SLC27A5 (solute carrier family 27 member 5; minus strand). Cytogenetic location: 19q13.43.
Variant type: single nucleotide variant.
Coding change: c.527C>G on transcript NM_012254.3 (MANE Select); coding-DNA position 527, C replaced by G.
Protein change: p.Ala176Gly; replaces alanine 176 with glycine.
Molecular consequence: missense variant. On other transcripts: intron variant (1).
Genome position (GRCh38, 1-based): chr19:58,511,429, G>C on the plus strand (C>G on the coding strand, the complement: SLC27A5 is on the minus strand). VCF-style: chr19-58511429-G-C. GRCh37 (hg19) VCF-style: chr19-59022796-G-C.
Other names: c.436+91C>G (NM_001321196.2); short protein forms A176G.
Identifiers: ClinVar variation 4763331 (VCV004763331.1).